The following is an entry in ClinVar:

NM_022436.3(ABCG5):c.723G>T (p.Arg241Ser)

Genes: ABCG5 (ATP binding cassette subfamily G member 5; minus strand), DYNC2LI1 (dynein cytoplasmic 2 light intermediate chain 1; plus strand). Cytogenetic location: 2p21.
Variant type: single nucleotide variant.
Coding change: c.723G>T on transcript NM_022436.3 (MANE Select); coding-DNA position 723, G replaced by T.
Protein change: p.Arg241Ser; replaces arginine 241 with serine.
Molecular consequence: missense variant. On other transcripts: intron variant (2).
Genome position (GRCh38, 1-based): chr2:43,826,433, C>A on the plus strand (G>T on the coding strand, the complement: ABCG5 is on the minus strand). VCF-style: chr2-43826433-C-A. GRCh37 (hg19) VCF-style: chr2-44053572-C-A.
Other names: c.*16-953C>A (NM_001348913.2, NM_001348912.2); short protein forms R241S.
Identifiers: ClinVar variation 2187003 (VCV002187003.4), dbSNP rs1414715703, ClinGen allele CA346666365.
Genomic context (GRCh38, chr2:43,826,433, plus strand): 5'-ACCTCTTACCTGAAAAAGCTCAGAACGGGGCTGGTGAATGGTGAGAACCACAATTCGGTT[C>A]CTGCGAGCCAGTTCCACCAGGAGGACGACAATCTGATTAGCAGTCATGCAGTCCAGGCCT-3'
Protein context (NP_071881.1, residues 231-251): IVVLLVELAR[Arg241Ser]NRIVVLTIHQ

ClinVar aggregate classification (germline): Uncertain significance. Review status: criteria provided, multiple submitters, no conflicts (2 of 4 stars). 2 submissions from 2 submitters: Uncertain significance (2). Last evaluated 2023-07-16.

Conditions:
Sitosterolemia (STSL). Also called: PHYTOSTEROLEMIA. Identifiers: Orphanet 2882, MedGen C0342907, MONDO:0008863.
Cardiovascular phenotype. Identifiers: MedGen CN230736.

Allele frequency attached by ClinVar (database versions not stated): gnomAD 0.00001; gnomAD exomes below 0.00001; TOPMed below 0.00001.
gnomAD v4.1: 6 of 1,613,998 alleles (0.00037%); highest among the groups gnomAD compares: African/African-American, 0.0013%; no homozygotes.

Submissions (2):

Ambry Genetics
Classification: Uncertain significance for Cardiovascular phenotype. Last evaluated: 2023-07-16. Review status: criteria provided, single submitter. Criteria: Ambry Variant Classification Scheme 2023. Collection method: clinical testing. Allele origin: germline.
Comment: The p.R241S variant (also known as c.723G>T), located in coding exon 6 of the ABCG5 gene, results from a G to T substitution at nucleotide position 723. The arginine at codon 241 is replaced by serine, an amino acid with dissimilar properties. This amino acid position is conserved. In addition, this alteration is predicted to be tolerated by in silico analysis. Since supporting evidence is limited at this time, the clinical significance of this alteration remains unclear.

Labcorp Genetics (formerly Invitae), Labcorp
Classification: Uncertain significance for Sitosterolemia. Last evaluated: 2022-07-16. Review status: criteria provided, single submitter. Criteria: Invitae Variant Classification Sherloc (09022015). Collection method: clinical testing. Allele origin: germline.
Comment: In summary, the available evidence is currently insufficient to determine the role of this variant in disease. Therefore, it has been classified as a Variant of Uncertain Significance. This sequence change replaces arginine, which is basic and polar, with serine, which is neutral and polar, at codon 241 of the ABCG5 protein (p.Arg241Ser). This variant is present in population databases (no rsID available, gnomAD 0.0009%). This variant has not been reported in the literature in individuals affected with ABCG5-related conditions. Algorithms developed to predict the effect of missense changes on protein structure and function (SIFT, PolyPhen-2, Align-GVGD) all suggest that this variant is likely to be disruptive.